The following is an entry in ClinVar:

NM_001256545.2(MEGF10):c.3161C>T (p.Pro1054Leu)

Gene: MEGF10 (multiple EGF like domains 10; plus strand). Cytogenetic location: 5q23.2.
Variant type: single nucleotide variant.
Coding change: c.3161C>T on transcript NM_001256545.2 (MANE Select); coding-DNA position 3161, C replaced by T.
Protein change: p.Pro1054Leu; replaces proline 1054 with leucine.
Molecular consequence: missense variant.
Genome position (GRCh38, 1-based): chr5:127,455,536, C>T. VCF-style: chr5-127455536-C-T. GRCh37 (hg19) VCF-style: chr5-126791228-C-T.
Other names: c.3161C>T, p.Pro1054Leu (NM_032446.3); short protein forms P1054L.
Identifiers: ClinVar variation 2159144 (VCV002159144.4), dbSNP rs755896006, ClinGen allele CA3392148.

ClinVar aggregate classification (germline): Uncertain significance (1 of 4 stars; one submission).

Conditions:
MEGF10-related myopathy (CMYO10A). Also called: Congenital myopathy 10A, severe variant. Identifiers: Orphanet 439212, MedGen C3280679, MONDO:0013731, OMIM 614399.

Allele frequency attached by ClinVar (database versions not stated): ExAC 0.00001; gnomAD exomes 0.00001; TOPMed 0.00001; gnomAD 0.00002.
gnomAD v4.1: 11 of 1,613,872 alleles (0.00068%); highest among the groups gnomAD compares: Admixed American, 0.005%; no homozygotes.

Submission:

Labcorp Genetics (formerly Invitae), Labcorp
Classification: Uncertain significance for MEGF10-related myopathy. Last evaluated: 2022-05-21. Review status: criteria provided, single submitter. Criteria: Invitae Variant Classification Sherloc (09022015). Collection method: clinical testing. Allele origin: germline.
Comment: In summary, the available evidence is currently insufficient to determine the role of this variant in disease. Therefore, it has been classified as a Variant of Uncertain Significance. Algorithms developed to predict the effect of missense changes on protein structure and function are either unavailable or do not agree on the potential impact of this missense change (SIFT: "Deleterious"; PolyPhen-2: "Benign"; Align-GVGD: "Class C0"). This variant has not been reported in the literature in individuals affected with MEGF10-related conditions. This variant is present in population databases (rs755896006, gnomAD 0.005%). This sequence change replaces proline, which is neutral and non-polar, with leucine, which is neutral and non-polar, at codon 1054 of the MEGF10 protein (p.Pro1054Leu).